The following is an entry in ClinVar:

ClinVar aggregate classification (germline): Uncertain significance (1 of 4 stars; one submission).

Submission:

GeneDx
Classification: Uncertain significance. Last evaluated: 2024-06-12. Review status: criteria provided, single submitter. Criteria: GeneDx Variant Classification Process June 2021. Collection method: clinical testing. Allele origin: germline. Affected: yes.
Comment: Not observed at significant frequency in large population cohorts (gnomAD); In silico analysis supports that this missense variant has a deleterious effect on protein structure/function; Has not been previously published as pathogenic or benign to our knowledge; This variant is associated with the following publications: (PMID: 27535533)

NM_002693.3(POLG):c.1307C>A (p.Pro436His)

Gene: POLG (DNA polymerase gamma, catalytic subunit; minus strand). Cytogenetic location: 15q26.1.
Variant type: single nucleotide variant.
Coding change: c.1307C>A on transcript NM_002693.3 (MANE Select); coding-DNA position 1307, C replaced by A.
Protein change: p.Pro436His; replaces proline 436 with histidine.
Molecular consequence: missense variant.
Genome position (GRCh38, 1-based): chr15:89,327,293, G>T on the plus strand (C>A on the coding strand, the complement: POLG is on the minus strand). VCF-style: chr15-89327293-G-T. GRCh37 (hg19) VCF-style: chr15-89870524-G-T.
Other names: c.1307C>A, p.Pro436His (NM_001126131.2); short protein forms P436H.
Identifiers: ClinVar variation 3390594 (VCV003390594.1).